The following is an entry in ClinVar:

ClinVar aggregate classification (germline): Uncertain significance. Review status: criteria provided, multiple submitters, no conflicts (2 of 4 stars). 2 submissions from 2 submitters: Uncertain significance (2). Last evaluated 2025-02-01.

Conditions:
Familial acute necrotizing encephalopathy (IIAE3). Also called: ENCEPHALOPATHY, ACUTE, INFECTION-INDUCED, SUSCEPTIBILITY TO, 3; Susceptibility to Acute Necrotizing Encephalopathy 1. Identifiers: Orphanet 88619, MedGen C2675556, MONDO:0011953, OMIM 608033.

Allele frequency attached by ClinVar (database versions not stated): ExAC 0.00003; gnomAD exomes 0.00003; gnomAD 0.00012 and 0.00013; 1000 Genomes Project 30x 0.00016; TOPMed 0.00017.
gnomAD v4.1: 63 of 1,611,772 alleles (0.0039%); highest among the groups gnomAD compares: African/African-American, 0.047%; no homozygotes.

Submissions (2):

Ambry Genetics
Classification: Uncertain significance. Last evaluated: 2025-02-01. Review status: criteria provided, single submitter. Criteria: Ambry Variant Classification Scheme 2023. Collection method: clinical testing. Allele origin: germline.

Labcorp Genetics (formerly Invitae), Labcorp
Classification: Uncertain significance for Familial acute necrotizing encephalopathy. Last evaluated: 2019-02-18. Review status: criteria provided, single submitter. Criteria: Invitae Variant Classification Sherloc (09022015). Collection method: clinical testing. Allele origin: germline.
Comment: In summary, the available evidence is currently insufficient to determine the role of this variant in disease. Therefore, it has been classified as a Variant of Uncertain Significance. Algorithms developed to predict the effect of missense changes on protein structure and function output the following: SIFT: "Tolerated"; PolyPhen-2: "Benign"; Align-GVGD: "Class C0". The lysine amino acid residue is found in multiple mammalian species, suggesting that this missense change does not adversely affect protein function. These predictions have not been confirmed by published functional studies and their clinical significance is uncertain. This variant has not been reported in the literature in individuals with RANBP2-related conditions. The frequency data for this variant in the population databases is considered unreliable, as metrics indicate poor data quality at this position in the ExAC database. This sequence change replaces asparagine with lysine at codon 747 of the RANBP2 protein (p.Asn747Lys). The asparagine residue is highly conserved and there is a moderate physicochemical difference between asparagine and lysine.

NM_006267.5(RANBP2):c.2241T>G (p.Asn747Lys)

Gene: RANBP2 (RAN binding protein 2; plus strand). Cytogenetic location: 2q13.
Variant type: single nucleotide variant.
Coding change: c.2241T>G on transcript NM_006267.5 (MANE Select); coding-DNA position 2241, T replaced by G.
Protein change: p.Asn747Lys; replaces asparagine 747 with lysine.
Molecular consequence: missense variant.
Genome position (GRCh38, 1-based): chr2:108,754,943, T>G. VCF-style: chr2-108754943-T-G. GRCh37 (hg19) VCF-style: chr2-109371399-T-G.
Other names: short protein forms N747K.
Identifiers: ClinVar variation 855391 (VCV000855391.9), dbSNP rs757991427, ClinGen allele CA1822611.
Genomic context (GRCh38, chr2:108,754,943, plus strand): 5'-AATTAATGTCTTTTATTTTTAGTTGCCTGTGCCCCTGGAGTCTGTAAAAGAGATGCTTAA[T>G]TCAGTCATGCAGGAACTCGAAGACTATAGTGAAGGAGGTCCTCTCTATAAAAATGGTTCT-3'
Protein context (NP_006258.3, residues 737-757): VPLESVKEML[Asn747Lys]SVMQELEDYS